The following is an entry in ClinVar:

NM_017882.3(CLN6):c.270C>T (p.Asn90=)

Gene: CLN6 (CLN6 transmembrane ER protein; minus strand). Cytogenetic location: 15q23.
Variant type: single nucleotide variant.
Coding change: c.270C>T on transcript NM_017882.3 (MANE Select); coding-DNA position 270, C replaced by T.
Protein change: p.Asn90=; no amino-acid change (asparagine 90 retained).
Molecular consequence: synonymous variant.
Genome position (GRCh38, 1-based): chr15:68,214,317, G>A on the plus strand (C>T on the coding strand, the complement: CLN6 is on the minus strand). VCF-style: chr15-68214317-G-A. GRCh37 (hg19) VCF-style: chr15-68506655-G-A.
Other names: p.N90N:AAC>AAT.
Identifiers: ClinVar variation 205154 (VCV000205154.22), dbSNP rs145247814, ClinGen allele CA313943.

ClinVar aggregate classification (germline): Conflicting classifications of pathogenicity. Review status: criteria provided, conflicting classifications (1 of 4 stars). 6 submissions from 6 submitters: Uncertain significance (1); Benign (3); Likely benign (2). Last evaluated 2026-01-28.

Conditions:
Inborn genetic diseases. Identifiers: MedGen C0950123, MeSH D030342.
Neuronal ceroid lipofuscinosis. Also called: Neuronal Ceroid Lipofuscinoses. Identifiers: Orphanet 216, Orphanet 79263, MedGen C0027877, MONDO:0016295. Disease mechanism: loss of function.

Allele frequency attached by ClinVar (database versions not stated): gnomAD exomes 0.00008 and 0.00022; ExAC 0.00027; 1000 Genomes Project 30x 0.00031; 1000 Genomes Project 0.00040; TOPMed 0.00087; ESP Exome Variant Server 0.00092; gnomAD 0.00096 and 0.00104.
gnomAD v4.1: 270 of 1,613,888 alleles (0.017%); highest among the groups gnomAD compares: African/African-American, 0.28%; no homozygotes.

Submissions (6):

Labcorp Genetics (formerly Invitae), Labcorp
Classification: Benign for Neuronal ceroid lipofuscinosis. Last evaluated: 2026-01-28. Review status: criteria provided, single submitter. Criteria: Invitae Variant Classification Sherloc (09022015). Collection method: clinical testing. Allele origin: germline.

Blueprint Genetics
Classification: Likely benign. Last evaluated: 2024-08-12. Review status: criteria provided, single submitter. Criteria: ACMG Guidelines, 2015. Collection method: clinical testing. Allele origin: germline.

Eurofins Ntd Llc (ga)
Classification: Uncertain significance. Last evaluated: 2018-01-16. Review status: criteria provided, single submitter. Criteria: EGL Classification Definitions 2015. Collection method: clinical testing. Allele origin: germline. Observed: 2 variant alleles, 2 heterozygotes.

Ambry Genetics
Classification: Likely benign for Inborn genetic diseases. Last evaluated: 2016-05-11. Review status: criteria provided, single submitter. Criteria: Ambry Variant Classification Scheme 2023. Collection method: clinical testing. Allele origin: germline.

GeneDx
Classification: Benign. Last evaluated: 2014-08-29. Review status: criteria provided, single submitter. Criteria: GeneDx Variant Classification (06012015). Collection method: clinical testing. Allele origin: germline. Affected: yes.
Comment: This variant is considered likely benign or benign based on one or more of the following criteria: it is a conservative change, it occurs at a poorly conserved position in the protein, it is predicted to be benign by multiple in silico algorithms, and/or has population frequency not consistent with disease.

PreventionGenetics, part of Exact Sciences
Classification: Benign. Review status: criteria provided, single submitter. Criteria: ACMG Guidelines, 2015. Collection method: clinical testing. Allele origin: germline.